The following is an entry in ClinVar:

NM_001927.4(DES):c.826G>A (p.Asp276Asn)

Gene: DES (desmin; plus strand). Cytogenetic location: 2q35.
Variant type: single nucleotide variant.
Coding change: c.826G>A on transcript NM_001927.4 (MANE Select); coding-DNA position 826, G replaced by A.
Protein change: p.Asp276Asn; replaces aspartic acid 276 with asparagine.
Molecular consequence: missense variant. On other transcripts: intron variant (1).
Genome position (GRCh38, 1-based): chr2:219,420,585, G>A. VCF-style: chr2-219420585-G-A. GRCh37 (hg19) VCF-style: chr2-220285307-G-A.
Other names: c.823G>A, p.Asp275Asn (NM_001382708.1); c.826G>A, p.Asp276Asn (NM_001382710.1, NM_001382711.1, NM_001382712.1); c.556G>A, p.Asp186Asn (NM_001382713.1); c.735+239G>A (NM_001382709.1); short protein forms D186N, D275N, D276N.
Identifiers: ClinVar variation 1058928 (VCV001058928.9), dbSNP rs1436186019, ClinGen allele CA350691339.

ClinVar aggregate classification (germline): Uncertain significance (1 of 4 stars; one submission).

Conditions:
Desmin-related myofibrillar myopathy (MFM1). Also called: MYOFIBRILLAR MYOPATHY WITH ARRHYTHMOGENIC RIGHT VENTRICULAR CARDIOMYOPATHY; DESMIN-RELATED MYOPATHY WITH ARRHYTHMOGENIC RIGHT VENTRICULAR CARDIOMYOPATHY; Desminopathy; Desmin related myopathy (former name); Desmin storage myopathy (former name); Myofibrillar myopathy 1. Identifiers: Orphanet 363543, Orphanet 98909, MedGen C1832370, MONDO:0011076, OMIM 601419.

Allele frequency attached by ClinVar (database versions not stated): TOPMed 0.00001.

Submission:

Labcorp Genetics (formerly Invitae), Labcorp
Classification: Uncertain significance for Desmin-related myofibrillar myopathy. Last evaluated: 2020-04-08. Review status: criteria provided, single submitter. Criteria: Invitae Variant Classification Sherloc (09022015). Collection method: clinical testing. Allele origin: germline.
Comment: In summary, the available evidence is currently insufficient to determine the role of this variant in disease. Therefore, it has been classified as a Variant of Uncertain Significance. Algorithms developed to predict the effect of missense changes on protein structure and function are either unavailable or do not agree on the potential impact of this missense change (SIFT: "Deleterious"; PolyPhen-2: "Probably Damaging"; Align-GVGD: "Class C15"). This variant has not been reported in the literature in individuals with DES-related conditions. This variant is not present in population databases (ExAC no frequency). This sequence change replaces aspartic acid with asparagine at codon 276 of the DES protein (p.Asp276Asn). The aspartic acid residue is highly conserved and there is a small physicochemical difference between aspartic acid and asparagine.